The following is an entry in ClinVar:

NM_000494.4(COL17A1):c.1804C>T (p.Gln602Ter)

Gene: COL17A1 (collagen type XVII alpha 1 chain; minus strand). Cytogenetic location: 10q25.1.
Variant type: single nucleotide variant.
Coding change: c.1804C>T on transcript NM_000494.4 (MANE Select); coding-DNA position 1804, C replaced by T.
Protein change: p.Gln602Ter; replaces glutamine 602 with a stop codon.
Molecular consequence: nonsense.
Genome position (GRCh38, 1-based): chr10:104,053,950, G>A on the plus strand (C>T on the coding strand, the complement: COL17A1 is on the minus strand). VCF-style: chr10-104053950-G-A. GRCh37 (hg19) VCF-style: chr10-105813708-G-A.
Other names: short protein forms Q602*.
Identifiers: ClinVar variation 2757727 (VCV002757727.3), dbSNP rs2134612747, ClinGen allele CA378070410.

ClinVar aggregate classification (germline): Pathogenic (1 of 4 stars; one submission).

Submission:

Labcorp Genetics (formerly Invitae), Labcorp
Classification: Pathogenic. Last evaluated: 2023-09-03. Review status: criteria provided, single submitter. Criteria: Invitae Variant Classification Sherloc (09022015). Collection method: clinical testing. Allele origin: germline.
Comment: For these reasons, this variant has been classified as Pathogenic. This variant has not been reported in the literature in individuals affected with COL17A1-related conditions. This variant is not present in population databases (gnomAD no frequency). This sequence change creates a premature translational stop signal (p.Gln602*) in the COL17A1 gene. It is expected to result in an absent or disrupted protein product. Loss-of-function variants in COL17A1 are known to be pathogenic (PMID: 16473856, 17344927, 20301304, 21357940, 24319098).

Literature cited by the submitters: PubMed 16473856; PubMed 17344927; PubMed 20301304; PubMed 21357940; PubMed 24319098.